The following is an entry in ClinVar:

ClinVar aggregate classification (germline): Uncertain significance (1 of 4 stars; one submission).

Conditions:
Absence seizure. Also called: Absence epilepsy. Identifiers: Orphanet 1941, MedGen C0014553.
Myoclonic epilepsy, juvenile, susceptibility to, 1. Also called: Myoclonic Epilepsy, Juvenile, 1; EJM1. Identifiers: MedGen C1850778, MONDO:0020752, OMIM 254770.

Allele frequency attached by ClinVar (database versions not stated): ExAC 0.00001; gnomAD exomes 0.00001; ESP Exome Variant Server 0.00008.
gnomAD v4.1: 4 of 1,614,190 alleles (0.00025%); highest among the groups gnomAD compares: Non-Finnish European, 0.00034%; no homozygotes.

Submission:

Labcorp Genetics (formerly Invitae), Labcorp
Classification: Uncertain significance for Myoclonic epilepsy, juvenile, susceptibility to, 1; Absence seizure. Last evaluated: 2022-06-17. Review status: criteria provided, single submitter. Criteria: Invitae Variant Classification Sherloc (09022015). Collection method: clinical testing. Allele origin: germline.
Comment: This sequence change replaces glutamine, which is neutral and polar, with histidine, which is basic and polar, at codon 231 of the EFHC1 protein (p.Gln231His). This variant is present in population databases (rs375014511, gnomAD 0.002%). In summary, the available evidence is currently insufficient to determine the role of this variant in disease. Therefore, it has been classified as a Variant of Uncertain Significance. Algorithms developed to predict the effect of missense changes on protein structure and function are either unavailable or do not agree on the potential impact of this missense change (SIFT: "Deleterious"; PolyPhen-2: "Possibly Damaging"; Align-GVGD: "Class C0"). ClinVar contains an entry for this variant (Variation ID: 641921). This missense change has been observed in at least one individual who was not affected with EFHC1-related conditions (Invitae). This variant has not been reported in the literature in individuals affected with EFHC1-related conditions.

NM_018100.4(EFHC1):c.693A>C (p.Gln231His)

Gene: EFHC1 (EF-hand domain containing 1; plus strand). Cytogenetic location: 6p12.2.
Variant type: single nucleotide variant.
Coding change: c.693A>C on transcript NM_018100.4 (MANE Select); coding-DNA position 693, A replaced by C.
Protein change: p.Gln231His; replaces glutamine 231 with histidine.
Molecular consequence: missense variant. On other transcripts: non-coding transcript variant (1).
Genome position (GRCh38, 1-based): chr6:52,452,807, A>C. VCF-style: chr6-52452807-A-C. GRCh37 (hg19) VCF-style: chr6-52317605-A-C.
Other names: c.636A>C, p.Gln212His (NM_001172420.2); short protein forms Q212H, Q231H.
Identifiers: ClinVar variation 641921 (VCV000641921.12), dbSNP rs375014511, ClinGen allele CA3855805.